The following is an entry in ClinVar:

ClinVar aggregate classification (germline): Conflicting classifications of pathogenicity. Review status: criteria provided, conflicting classifications (1 of 4 stars). 2 submissions from 2 submitters: Likely pathogenic (1); Uncertain significance (1). Last evaluated 2023-06-20.

Allele frequency attached by ClinVar (database versions not stated): gnomAD exomes below 0.00001; TOPMed 0.00001.
gnomAD v4.1: 3 of 1,610,704 alleles (0.00019%); highest among the groups gnomAD compares: African/African-American, 0.0027%; no homozygotes.

Submissions (2):

Labcorp Genetics (formerly Invitae), Labcorp
Classification: Likely pathogenic. Last evaluated: 2023-06-20. Review status: criteria provided, single submitter. Criteria: Invitae Variant Classification Sherloc (09022015). Collection method: clinical testing. Allele origin: germline.
Comment: In summary, the currently available evidence indicates that the variant is pathogenic, but additional data are needed to prove that conclusively. Therefore, this variant has been classified as Likely Pathogenic. This variant has not been reported in the literature in individuals affected with OCA2-related conditions. This variant is not present in population databases (gnomAD no frequency). This sequence change affects a donor splice site in intron 6 of the OCA2 gene. It is expected to disrupt RNA splicing. Variants that disrupt the donor or acceptor splice site typically lead to a loss of protein function (PMID: 16199547), and loss-of-function variants in OCA2 are known to be pathogenic (PMID: 19865097, 21541274).

GeneDx
Classification: Uncertain significance. Last evaluated: 2022-12-12. Review status: criteria provided, single submitter. Criteria: GeneDx Variant Classification Process June 2021. Collection method: clinical testing. Allele origin: germline. Affected: yes.
Comment: Not observed at significant frequency in large population cohorts (gnomAD); In silico analysis supports that this variant does not alter splicing; Has not been previously published as pathogenic or benign to our knowledge

Literature cited by the submitters: PubMed 16199547 (cited by Labcorp Genetics (formerly Invitae), Labcorp); PubMed 19865097 (cited by Labcorp Genetics (formerly Invitae), Labcorp); PubMed 21541274 (cited by Labcorp Genetics (formerly Invitae), Labcorp).

NM_000275.3(OCA2):c.646+1G>A

Gene: OCA2 (OCA2 melanosomal transmembrane protein; minus strand). Cytogenetic location: 15q13.1.
Variant type: single nucleotide variant.
Coding change: c.646+1G>A on transcript NM_000275.3 (MANE Select); the canonical splice donor site of the intron after coding-DNA position 646, G replaced by A.
Molecular consequence: splice donor variant.
Genome position (GRCh38, 1-based): chr15:28,022,500, C>T on the plus strand (G>A on the coding strand, the complement: OCA2 is on the minus strand). VCF-style: chr15-28022500-C-T. GRCh37 (hg19) VCF-style: chr15-28267646-C-T.
Other names: c.646+1G>A (NM_001300984.2).
Identifiers: ClinVar variation 2507086 (VCV002507086.4), dbSNP rs1046172334, ClinGen allele CA267914259.
Genomic context (GRCh38, chr15:28,022,500, plus strand): 5'-GTCTCCTTGTGTTTCAGATCTCAGCCAGGCGGCTGGCCATCTCAGAGTGGATTTTGGATA[C>T]AGTAGTTCTCCAGCGGTGATAAGGCCAACAGCTGCCAGAGCTTTCCTTGATCCGGATATA-3'